The following is an entry in ClinVar:

NM_000334.4(SCN4A):c.2592C>T (p.Ala864=)

Genes: GH-LCR (growth hormone locus control region; plus strand), SCN4A (sodium voltage-gated channel alpha subunit 4; minus strand). Cytogenetic location: 17q23.3.
Variant type: single nucleotide variant.
Coding change: c.2592C>T on transcript NM_000334.4 (MANE Select); coding-DNA position 2592, C replaced by T.
Protein change: p.Ala864=; no amino-acid change (alanine 864 retained).
Molecular consequence: synonymous variant.
Genome position (GRCh38, 1-based): chr17:63,951,685, G>A on the plus strand (C>T on the coding strand, the complement: SCN4A is on the minus strand). VCF-style: chr17-63951685-G-A. GRCh37 (hg19) VCF-style: chr17-62029045-G-A.
Identifiers: ClinVar variation 324532 (VCV000324532.16), dbSNP rs200354336, ClinGen allele CA8709556.

ClinVar aggregate classification (germline): Conflicting classifications of pathogenicity. Review status: criteria provided, conflicting classifications (1 of 4 stars). 9 submissions from 5 submitters: Uncertain significance (1); Benign (6); Likely benign (1). 1 of the submissions does not count toward it. Last evaluated 2025-12-29.

Conditions:
SCN4A-related disorder. Also called: SCN4A-related disorders.
Congenital myasthenic syndrome 16. Identifiers: Orphanet 590, MedGen C3280112, MONDO:0013620, OMIM 614198.
Paramyotonia congenita of Von Eulenburg. Also called: Paramyotonia Congenita; PARALYSIS PERIODICA PARAMYOTONICA; Eulenburg disease; Myotonia congenita intermittens; Von Eulenburg paramyotonia congenita. Identifiers: Orphanet 684, MedGen C0221055, MONDO:0008195, OMIM 168300. Disease mechanism: loss of function.
Hypokalemic periodic paralysis, type 2 (HOKPP2). Identifiers: Orphanet 681, MedGen C2750061, MONDO:0013234, OMIM 613345.
Potassium-aggravated myotonia. Also called: Myotonia congenita, atypical, acetazolamide-responsive; MYOTONIA CONGENITA, ACETAZOLAMIDE-RESPONSIVE; MYOTONIA CONGENITA, ATYPICAL; SODIUM CHANNEL MUSCLE DISEASE. Identifiers: Orphanet 612, Orphanet 99734, Orphanet 99735, Orphanet 99736, MedGen C2931826, MONDO:0018959, OMIM 608390.
Hyperkalemic periodic paralysis. Also called: Familial hyperkalemic periodic paralysis; Gamstorp disease. Identifiers: Orphanet 682, MedGen C0238357, MONDO:0008224, OMIM 170500, HP:0007215.

Allele frequency attached by ClinVar (database versions not stated): gnomAD exomes 0.00003 and 0.00010; ExAC 0.00025; ESP Exome Variant Server 0.00017; 1000 Genomes Project 30x 0.00094; TOPMed 0.00036; gnomAD 0.00036; 1000 Genomes Project 0.00100.
gnomAD v4.1: 97 of 1,602,618 alleles (0.0061%); highest among the groups gnomAD compares: African/African-American, 0.11%; no homozygotes.

Submissions (9):

Labcorp Genetics (formerly Invitae), Labcorp
Classification: Benign for Hyperkalemic periodic paralysis. Last evaluated: 2025-12-29. Review status: criteria provided, single submitter. Criteria: Invitae Variant Classification Sherloc (09022015). Collection method: clinical testing. Allele origin: germline.

Athena Diagnostics
Classification: Benign. Last evaluated: 2020-12-31. Review status: criteria provided, single submitter. Criteria: Athena Diagnostics criteria. Collection method: clinical testing. Allele origin: unknown.

Blueprint Genetics
Classification: Likely benign. Last evaluated: 2020-09-11. Review status: criteria provided, single submitter. Criteria: ACMG Guidelines, 2015. Collection method: clinical testing. Allele origin: germline.

Illumina Laboratory Services, Illumina
Classification: Benign for Potassium-aggravated myotonia. Last evaluated: 2018-01-13. Review status: criteria provided, single submitter. Criteria: ICSL Variant Classification Criteria 13 December 2019. Collection method: clinical testing. Allele origin: germline.
Comment: This variant was observed in the ICSL laboratory as part of a predisposition screen in an ostensibly healthy population. It had not been previously curated by ICSL or reported in the Human Gene Mutation Database (HGMD: prior to June 1st, 2018), and was therefore a candidate for classification through an automated scoring system. Utilizing variant allele frequency, disease prevalence and penetrance estimates, and inheritance mode, an automated score was calculated to assess if this variant is too frequent to cause the disease. Based on the score and internal cut-off values, a variant classified as benign is not then subjected to further curation. The score for this variant resulted in a classification of benign for this disease.

Illumina Laboratory Services, Illumina
Classification: Uncertain significance for Congenital myasthenic syndrome 16. Last evaluated: 2018-01-13. Review status: criteria provided, single submitter. Criteria: ICSL Variant Classification Criteria 13 December 2019. Collection method: clinical testing. Allele origin: germline.

Illumina Laboratory Services, Illumina
Classification: Benign for Hypokalemic periodic paralysis, type 2. Last evaluated: 2018-01-13. Review status: criteria provided, single submitter. Criteria: ICSL Variant Classification Criteria 13 December 2019. Collection method: clinical testing. Allele origin: germline.
Comment: the same text as in the submission from Illumina Laboratory Services, Illumina above.

Illumina Laboratory Services, Illumina
Classification: Benign for Hyperkalemic periodic paralysis. Last evaluated: 2018-01-13. Review status: criteria provided, single submitter. Criteria: ICSL Variant Classification Criteria 13 December 2019. Collection method: clinical testing. Allele origin: germline.
Comment: the same text as in the submission from Illumina Laboratory Services, Illumina above.

Illumina Laboratory Services, Illumina
Classification: Benign for Paramyotonia congenita of Von Eulenburg. Last evaluated: 2018-01-13. Review status: criteria provided, single submitter. Criteria: ICSL Variant Classification Criteria 13 December 2019. Collection method: clinical testing. Allele origin: germline.
Comment: the same text as in the submission from Illumina Laboratory Services, Illumina above.

PreventionGenetics, part of Exact Sciences
Classification: Likely benign for SCN4A-related condition. Last evaluated: 2019-04-05. Review status: no assertion criteria provided. Collection method: clinical testing. Allele origin: germline. Not counted in ClinVar's aggregate classification.
Comment: This variant is classified as likely benign based on ACMG/AMP sequence variant interpretation guidelines (Richards et al. 2015 PMID: 25741868, with internal and published modifications).